The following is an entry in ClinVar:

ClinVar aggregate classification (germline): Conflicting classifications of pathogenicity. Review status: criteria provided, conflicting classifications (1 of 4 stars). 5 submissions from 5 submitters: Uncertain significance (4); Likely benign (1). Last evaluated 2025-10-25.

Conditions:
Juvenile myelomonocytic leukemia (JMML). Also called: LEUKEMIA, JUVENILE MYELOMONOCYTIC, SOMATIC. Identifiers: Orphanet 86834, MedGen C0349639, MONDO:0011908, OMIM 607785, HP:0012209.
Neurofibromatosis, type 1 (NF1). Also called: VON RECKLINGHAUSEN DISEASE; NEUROFIBROMATOSIS, TYPE I, SOMATIC; Peripheral type neurofibromatosis; Neurofibromatosis, type I. Identifiers: Orphanet 636, MedGen C0027831, MONDO:0018975, OMIM 162200. Disease mechanism: loss of function.
Cardiovascular phenotype. Identifiers: MedGen CN230736.
Hereditary cancer-predisposing syndrome. Also called: Hereditary Cancer Syndrome; Hereditary neoplastic syndrome; Tumor predisposition; Neoplastic Syndromes, Hereditary. Identifiers: Orphanet 140162, MedGen C0027672, MeSH D009386, MONDO:0015356.

Submissions (5):

Labcorp Genetics (formerly Invitae), Labcorp
Classification: Likely benign for Neurofibromatosis, type 1. Last evaluated: 2025-10-25. Review status: criteria provided, single submitter. Criteria: Invitae Variant Classification Sherloc (09022015). Collection method: clinical testing. Allele origin: germline.

GeneDx
Classification: Uncertain significance. Last evaluated: 2025-04-28. Review status: criteria provided, single submitter. Criteria: GeneDx Variant Classification Process June 2021. Collection method: clinical testing. Allele origin: germline. Affected: yes.
Comment: Not observed at significant frequency in large population cohorts (gnomAD); In silico analysis indicates that this missense variant does not alter protein structure/function; Has not been previously published as pathogenic or benign to our knowledge

Baylor Genetics
Classification: Uncertain significance for Juvenile myelomonocytic leukemia. Last evaluated: 2023-11-03. Review status: criteria provided, single submitter. Criteria: ACMG Guidelines, 2015. Collection method: clinical testing. Allele origin: unknown.

Genome-Nilou Lab
Classification: Uncertain significance for Neurofibromatosis, type 1. Last evaluated: 2022-03-15. Review status: criteria provided, single submitter. Criteria: ACMG Guidelines, 2015. Collection method: clinical testing. Allele origin: germline. Affected: no.

Ambry Genetics
Classification: Uncertain significance for Cardiovascular phenotype; Hereditary cancer-predisposing syndrome. Last evaluated: 2021-11-18. Review status: criteria provided, single submitter. Criteria: Ambry Variant Classification Scheme 2023. Collection method: clinical testing. Allele origin: germline.

NM_001042492.3(NF1):c.4226T>C (p.Met1409Thr)

Gene: NF1 (neurofibromin 1; plus strand). Cytogenetic location: 17q11.2.
Variant type: single nucleotide variant.
Coding change: c.4226T>C on transcript NM_001042492.3 (MANE Select); coding-DNA position 4226, T replaced by C.
Protein change: p.Met1409Thr; replaces methionine 1409 with threonine.
Molecular consequence: missense variant.
Genome position (GRCh38, 1-based): chr17:31,258,396, T>C. VCF-style: chr17-31258396-T-C. GRCh37 (hg19) VCF-style: chr17-29585414-T-C.
Other names: c.4163T>C, p.Met1388Thr (NM_000267.4); short protein forms M1388T, M1409T.
Identifiers: ClinVar variation 457684 (VCV000457684.15), dbSNP rs1555618508, ClinGen allele CA398997792.